The following is an entry in ClinVar:

NM_000203.5(IDUA):c.1139dup (p.Leu381fs)

Gene: IDUA (alpha-L-iduronidase; plus strand). Cytogenetic location: 4p16.3.
Variant type: Duplication.
Coding change: c.1139dup on transcript NM_000203.5 (MANE Select); coding-DNA position 1139, one base duplicated (A; older notation c.1139dupA).
Protein change: p.Leu381fs; shifts the reading frame from leucine 381.
Molecular consequence: frameshift variant. On other transcripts: non-coding transcript variant (1).
Genome position (GRCh38, 1-based): chr4:1,002,435, A duplicated. VCF-style (leftmost placement, unchanged base first): chr4-1002434-C-CA. GRCh37 (hg19) VCF-style: chr4-996222-C-CA.
Other names: c.743dup, p.Leu249fs (NM_001363576.1); short protein forms L249fs, L381fs.
Identifiers: ClinVar variation 3340107 (VCV003340107.1).

ClinVar aggregate classification (germline): Pathogenic (1 of 4 stars; one submission).

Conditions:
Hurler syndrome. Also called: Gargoylism, Hurler Syndrome; MUCOPOLYSACCHARIDOSIS TYPE IH; Severe MPS I (Hurler Syndrome). Identifiers: Orphanet 93473, MedGen C0086795, MONDO:0011758, OMIM 607014.

Submission:

Laboratory of Molecular Genetics, CHU Rennes
Classification: Pathogenic for Hurler syndrome. Last evaluated: 2024-12-01. Review status: criteria provided, single submitter. Criteria: ACMG Guidelines, 2015. Collection method: clinical testing. Allele origin: paternal. Affected: yes.
Comment: IDUA c.1139dup (p.Leu381AlafsTer18) results in a premature termination codon, predicted to cause a truncation of the encoded protein or absence of the protein due to nonsense mediated decay, which are commonly known mechanisms for disease. The variant was absent control population (gnomAD v4). Identified in trans from another pathogenic variant in IDUA. MPS I was next confirmed by enzymatic analysis with evidence of a deficiency in α-L-iduronidase activity.